The following is an entry in ClinVar:

NM_012293.3(PXDN):c.1927C>T (p.Arg643Ter)

Gene: PXDN (peroxidasin; minus strand). Cytogenetic location: 2p25.3.
Variant type: single nucleotide variant.
Coding change: c.1927C>T on transcript NM_012293.3 (MANE Select); coding-DNA position 1927, C replaced by T.
Protein change: p.Arg643Ter; replaces arginine 643 with a stop codon.
Molecular consequence: nonsense.
Genome position (GRCh38, 1-based): chr2:1,654,419, G>A on the plus strand (C>T on the coding strand, the complement: PXDN is on the minus strand). VCF-style: chr2-1654419-G-A. GRCh37 (hg19) VCF-style: chr2-1658191-G-A.
Other names: short protein forms R643*.
Identifiers: ClinVar variation 2015134 (VCV002015134.4), dbSNP rs756846388, ClinGen allele CA1513148.

ClinVar aggregate classification (germline): Pathogenic (1 of 4 stars; one submission).

Conditions:
Anterior segment dysgenesis 7 (ASGD7). Also called: Anterior segment dysgenesis 7, with sclerocornea; SCLEROCORNEA WITH OTHER OCULAR ANOMALIES. Identifiers: Orphanet 289499, MedGen C3151617, MONDO:0010015, OMIM 269400.

Allele frequency attached by ClinVar (database versions not stated): TOPMed below 0.00001; ExAC 0.00001; gnomAD 0.00001.
gnomAD v4.1: 9 of 1,612,796 alleles (0.00056%); highest among the groups gnomAD compares: East Asian, 0.0022%; 1 homozygote.

Submission:

Labcorp Genetics (formerly Invitae), Labcorp
Classification: Pathogenic for Anterior segment dysgenesis 7. Last evaluated: 2023-11-28. Review status: criteria provided, single submitter. Criteria: Invitae Variant Classification Sherloc (09022015). Collection method: clinical testing. Allele origin: germline.
Comment: This sequence change creates a premature translational stop signal (p.Arg643*) in the PXDN gene. It is expected to result in an absent or disrupted protein product. Loss-of-function variants in PXDN are known to be pathogenic (PMID: 21907015, 24939590). This variant is present in population databases (rs756846388, gnomAD 0.003%). This variant has not been reported in the literature in individuals affected with PXDN-related conditions. ClinVar contains an entry for this variant (Variation ID: 2015134). For these reasons, this variant has been classified as Pathogenic.

Literature cited by the submitters: PubMed 21907015; PubMed 24939590.